The following is an entry in ClinVar:

ClinVar aggregate classification (germline): Uncertain significance (1 of 4 stars; one submission).

Submission:

Labcorp Genetics (formerly Invitae), Labcorp
Classification: Uncertain significance. Last evaluated: 2022-08-20. Review status: criteria provided, single submitter. Criteria: Invitae Variant Classification Sherloc (09022015). Collection method: clinical testing. Allele origin: germline.
Comment: In summary, the available evidence is currently insufficient to determine the role of this variant in disease. Therefore, it has been classified as a Variant of Uncertain Significance. Algorithms developed to predict the effect of sequence changes on RNA splicing suggest that this variant may create or strengthen a splice site. Algorithms developed to predict the effect of missense changes on protein structure and function (SIFT, PolyPhen-2, Align-GVGD) all suggest that this variant is likely to be tolerated. This variant has not been reported in the literature in individuals affected with PLAA-related conditions. This variant is not present in population databases (gnomAD no frequency). This sequence change replaces lysine, which is basic and polar, with threonine, which is neutral and polar, at codon 538 of the PLAA protein (p.Lys538Thr).

NM_001031689.3(PLAA):c.1613A>C (p.Lys538Thr)

Gene: PLAA (phospholipase A2 activating protein; minus strand). Cytogenetic location: 9p21.2.
Variant type: single nucleotide variant.
Coding change: c.1613A>C on transcript NM_001031689.3 (MANE Select); coding-DNA position 1613, A replaced by C.
Protein change: p.Lys538Thr; replaces lysine 538 with threonine.
Molecular consequence: missense variant.
Genome position (GRCh38, 1-based): chr9:26,910,382, T>G on the plus strand (A>C on the coding strand, the complement: PLAA is on the minus strand). VCF-style: chr9-26910382-T-G. GRCh37 (hg19) VCF-style: chr9-26910380-T-G.
Other names: c.1544A>C, p.Lys515Thr (NM_001321546.2); short protein forms K515T, K538T.
Identifiers: ClinVar variation 1717210 (VCV001717210.5), dbSNP rs992522322, ClinGen allele CA373129966.
Genomic context (GRCh38, chr9:26,910,382, plus strand): 5'-AATTAAAGAAACTTACCTAATATTTGTGTAGGGTTTGCTTGGTCAAATGTGACAGCCTCT[T>G]TTTTAGGGAAATAAATATTCATTGTTTTAGATGCAGCTGATCGGTAGGCACTATTCCCTA-3'
Protein context (NP_001026859.1, residues 528-548): SKTMNIYFPK[Lys538Thr]EAVTFDQANP